The following is an entry in ClinVar:

ClinVar aggregate classification (germline): Uncertain significance (1 of 4 stars; one submission).

Conditions:
Renal carnitine transport defect (CDSP). Also called: CARNITINE DEFICIENCY, SYSTEMIC, DUE TO DEFECT IN RENAL REABSORPTION OF CARNITINE; CARNITINE TRANSPORTER, PLASMA-MEMBRANE, DEFICIENCY OF; CARNITINE UPTAKE DEFECT; Carnitine transporter deficiency; Carnitine Deficiency, Systemic; Systemic primary carnitine deficiency disease. Identifiers: Orphanet 158, MedGen C0342788, MONDO:0008919, OMIM 212140.

Submission:

Labcorp Genetics (formerly Invitae), Labcorp
Classification: Uncertain significance for Renal carnitine transport defect. Last evaluated: 2021-08-20. Review status: criteria provided, single submitter. Criteria: Invitae Variant Classification Sherloc (09022015). Collection method: clinical testing. Allele origin: germline.
Comment: This sequence change replaces phenylalanine with leucine at codon 313 of the SLC22A5 protein (p.Phe313Leu). The phenylalanine residue is highly conserved and there is a small physicochemical difference between phenylalanine and leucine. This variant is not present in population databases (ExAC no frequency). This variant has not been reported in the literature in individuals affected with SLC22A5-related conditions. Algorithms developed to predict the effect of missense changes on protein structure and function (SIFT, PolyPhen-2, Align-GVGD) all suggest that this variant is likely to be tolerated. Algorithms developed to predict the effect of sequence changes on RNA splicing suggest that this variant may create or strengthen a splice site. In summary, the available evidence is currently insufficient to determine the role of this variant in disease. Therefore, it has been classified as a Variant of Uncertain Significance.

NM_003060.4(SLC22A5):c.939T>A (p.Phe313Leu)

Gene: SLC22A5 (solute carrier family 22 member 5; plus strand). Cytogenetic location: 5q31.1.
Variant type: single nucleotide variant.
Coding change: c.939T>A on transcript NM_003060.4 (MANE Select); coding-DNA position 939, T replaced by A.
Protein change: p.Phe313Leu; replaces phenylalanine 313 with leucine.
Molecular consequence: missense variant.
Genome position (GRCh38, 1-based): chr5:132,387,139, T>A. VCF-style: chr5-132387139-T-A. GRCh37 (hg19) VCF-style: chr5-131722831-T-A.
Other names: c.1011T>A, p.Phe337Leu (NM_001308122.2); short protein forms F313L, F337L.
Identifiers: ClinVar variation 529853 (VCV000529853.6), dbSNP rs1554087737, ClinGen allele CA16609652.